The following is an entry in ClinVar:

ClinVar aggregate classification (germline): Uncertain significance (1 of 4 stars; one submission).

Allele frequency attached by ClinVar (database versions not stated): TOPMed 0.00001; gnomAD 0.00002.

Submission:

GeneDx
Classification: Uncertain significance. Last evaluated: 2022-04-18. Review status: criteria provided, single submitter. Criteria: GeneDx Variant Classification Process June 2021. Collection method: clinical testing. Allele origin: germline. Affected: yes.
Comment: In silico analysis supports that this missense variant does not alter protein structure/function; Has not been previously published as pathogenic or benign to our knowledge

NM_001009944.3(PKD1):c.11864A>T (p.Gln3955Leu)

Gene: PKD1 (polycystin 1, transient receptor potential channel interacting; minus strand). Cytogenetic location: 16p13.3.
Variant type: single nucleotide variant.
Coding change: c.11864A>T on transcript NM_001009944.3 (MANE Select); coding-DNA position 11864, A replaced by T.
Protein change: p.Gln3955Leu; replaces glutamine 3955 with leucine.
Molecular consequence: missense variant.
Genome position (GRCh38, 1-based): chr16:2,091,023, T>A on the plus strand (A>T on the coding strand, the complement: PKD1 is on the minus strand). VCF-style: chr16-2091023-T-A. GRCh37 (hg19) VCF-style: chr16-2141024-T-A.
Other names: c.11861A>T, p.Gln3954Leu (NM_000296.4); short protein forms Q3954L, Q3955L.
Identifiers: ClinVar variation 1712190 (VCV001712190.2), dbSNP rs1249376649, ClinGen allele CA394329542.